The following is an entry in ClinVar:

NM_000256.3(MYBPC3):c.2309-1G>A

Gene: MYBPC3 (myosin binding protein C3; minus strand). Cytogenetic location: 11p11.2.
Variant type: single nucleotide variant.
Coding change: c.2309-1G>A on transcript NM_000256.3 (MANE Select); the canonical splice acceptor site of the intron before coding-DNA position 2309, G replaced by A.
Molecular consequence: splice acceptor variant.
Genome position (GRCh38, 1-based): chr11:47,337,795, C>T on the plus strand (G>A on the coding strand, the complement: MYBPC3 is on the minus strand). VCF-style: chr11-47337795-C-T. GRCh37 (hg19) VCF-style: chr11-47359346-C-T.
Identifiers: ClinVar variation 3377189 (VCV003377189.2).

ClinVar aggregate classification (germline): Conflicting classifications of pathogenicity. Review status: criteria provided, conflicting classifications (1 of 4 stars). 2 submissions from 2 submitters: Pathogenic (1); Uncertain significance (1). Last evaluated 2026-05-12.

Conditions:
Hypertrophic cardiomyopathy 4. Also called: Familial hypertrophic cardiomyopathy 4. Identifiers: MedGen C1861862, MONDO:0007268, OMIM 115197.
Cardiovascular phenotype. Identifiers: MedGen CN230736.

Submissions (2):

Ambry Genetics
Classification: Uncertain significance for Cardiovascular phenotype. Last evaluated: 2026-05-12. Review status: criteria provided, single submitter. Criteria: Ambry Variant Classification Scheme 2023. Collection method: clinical testing. Allele origin: germline.
Comment: The c.2309-1G>A intronic variant results from a G to A substitution one nucleotide upstream from coding exon 24 of the MYBPC3 gene. This variant was reported in individual(s) with features consistent with hypertrophic cardiomyopathy or other cardiomyopathies (Garcia-Pavia P et al. Eur J Heart Fail, 2011 Nov;13:1193-201; Walsh R et al. Genet Med, 2017 Feb;19:192-203). Other variant(s) impacting the same acceptor site (c.2309-2A>G) have been identified in individual(s) with features consistent with hypertrophic cardiomyopathy (Van Driest SL, J. Am. Coll. Cardiol. 2004 Nov; 44(9):1903-10; Roncarati R, J. Cell. Physiol. 2011 Nov; 226(11):2894-900; Lopes LR, Heart 2015 Feb; 101(4):294-301; Rubattu S et al. Int J Mol Sci. 2016;17(8); Walsh R et al Genet Med. 2017;19(2):192-203; Burstein DS et al. Pediatr Res, 2021 05;89:1470-1476). Variants that disrupt the canonical splice site are expected to result in aberrant splicing. In silico splice site analysis predicts that this alteration will weaken the native splice acceptor site and will result in the creation or strengthening of a novel splice acceptor site. A resulting transcript is predicted to be in-frame and is not expected to trigger nonsense-mediated mRNAdecay; although, direct evidence is unavailable. This nucleotide position is highly conserved in available vertebrate species. Based on the available evidence, the clinical significance of this variant remains unclear.

Victorian Clinical Genetics Services, Murdoch Childrens Research Institute
Classification: Pathogenic for Hypertrophic cardiomyopathy 4. Last evaluated: 2024-10-10. Review status: criteria provided, single submitter. Criteria: ACMG Guidelines, 2015. Collection method: clinical testing. Allele origin: germline. Affected: yes.
Comment: Based on the classification scheme VCGS_Germline_v1.3.4, this variant is classified as Pathogenic. Following criteria are met: 0102 - Loss of function is a known mechanism of disease in this gene and is associated with hypertrophic cardiomyopathy 4 (HCM; MIM#115197). (I) 0108 - This gene is associated with both recessive and dominant disease. Dominant inheritance is frequently reported in adult onset conditions and recessive inheritance results in a more severe early onset phenotype (OMIM). (I) 0115 - Variants in this gene are known to have variable expressivity (PMID: 32841044). (I) 0211 - Canonical splice site variant without proven consequence on splicing (no functional evidence available). (SP) 0251 - This variant is heterozygous. (I) 0301 - Variant is absent from gnomAD (v2, v3 and v4). (SP) 0505 - Abnormal splicing is predicted by in silico tools and affected nucleotide is highly conserved. (SP) 0703 - Another splice site variant comparable to the one identified in this case has moderate previous evidence for pathogenicity. c.2309-2A>G has been reported in many affected individuals with HCM (ClinVar). (SP) 0801 - This variant has strong previous evidence of pathogenicity in seven unrelated individuals (PMIDs: 27532257, 21896538). (SP) 1208 - Inheritance information for this variant is not currently available in this individual. (I) Legend: (SP) - Supporting pathogenic, (I) - Information, (SB) - Supporting benign

Literature cited by the submitters: PubMed 21896538 (cited by Ambry Genetics and Victorian Clinical Genetics Services, Murdoch Childrens Research Institute); PubMed 27532257 (cited by Ambry Genetics and Victorian Clinical Genetics Services, Murdoch Childrens Research Institute); PubMed 32841044 (cited by Victorian Clinical Genetics Services, Murdoch Childrens Research Institute).